The following is an entry in ClinVar:

ClinVar aggregate classification (germline): Uncertain significance (1 of 4 stars; one submission).

Submission:

GeneDx
Classification: Uncertain significance. Last evaluated: 2025-12-26. Review status: criteria provided, single submitter. Criteria: GeneDx Variant Classification Process June 2021. Collection method: clinical testing. Allele origin: germline. Affected: yes.
Comment: Not observed at significant frequency in large population cohorts (gnomAD); In silico analysis supports that this missense variant has a deleterious effect on protein structure/function; Has not been previously published as pathogenic or benign to our knowledge

NM_003024.3(ITSN1):c.3019T>C (p.Phe1007Leu)

Gene: ITSN1 (intersectin 1; plus strand). Cytogenetic location: 21q22.11.
Variant type: single nucleotide variant.
Coding change: c.3019T>C on transcript NM_003024.3 (MANE Select); coding-DNA position 3019, T replaced by C.
Protein change: p.Phe1007Leu; replaces phenylalanine 1007 with leucine.
Molecular consequence: missense variant. On other transcripts: intron variant (2).
Genome position (GRCh38, 1-based): chr21:33,823,489, T>C. VCF-style: chr21-33823489-T-C. GRCh37 (hg19) VCF-style: chr21-35195793-T-C.
Other names: c.3019T>C, p.Phe1007Leu (NM_001001132.2); c.3004T>C, p.Phe1002Leu (NM_001331009.2, NM_001331010.2); c.2893T>C, p.Phe965Leu (NM_001331012.2); c.3016+4166T>C (NM_001331008.2); c.3001+4166T>C (NM_001331011.2); short protein forms F1002L, F1007L, F965L.
Identifiers: ClinVar variation 3383877 (VCV003383877.2).